The following is an entry in ClinVar:

ClinVar aggregate classification (germline): Uncertain significance (1 of 4 stars; one submission).

Allele frequency attached by ClinVar (database versions not stated): gnomAD exomes below 0.00001; gnomAD 0.00001; TOPMed 0.00001.
gnomAD v4.1: 2 of 1,613,460 alleles (0.00012%); highest among the groups gnomAD compares: Non-Finnish European, 0.00017%; no homozygotes.

Submission:

Labcorp Genetics (formerly Invitae), Labcorp
Classification: Uncertain significance. Last evaluated: 2025-06-11. Review status: criteria provided, single submitter. Criteria: Invitae Variant Classification Sherloc (09022015). Collection method: clinical testing. Allele origin: germline.
Comment: This sequence change replaces isoleucine, which is neutral and non-polar, with valine, which is neutral and non-polar, at codon 274 of the SLCO5A1 protein (p.Ile274Val). This variant is not present in population databases (gnomAD no frequency). This variant has not been reported in the literature in individuals affected with SLCO5A1-related conditions. ClinVar contains an entry for this variant (Variation ID: 1425576). An algorithm developed to predict the effect of missense changes on protein structure and function outputs the following: PolyPhen-2: "Benign". The valine amino acid residue is found in multiple mammalian species, which suggests that this missense change does not adversely affect protein function. In summary, the available evidence is currently insufficient to determine the role of this variant in disease. Therefore, it has been classified as a Variant of Uncertain Significance.

NM_030958.3(SLCO5A1):c.820A>G (p.Ile274Val)

Gene: SLCO5A1 (solute carrier organic anion transporter family member 5A1; minus strand). Cytogenetic location: 8q13.3.
Variant type: single nucleotide variant.
Coding change: c.820A>G on transcript NM_030958.3 (MANE Select); coding-DNA position 820, A replaced by G.
Protein change: p.Ile274Val; replaces isoleucine 274 with valine.
Molecular consequence: missense variant.
Genome position (GRCh38, 1-based): chr8:69,831,854, T>C on the plus strand (A>G on the coding strand, the complement: SLCO5A1 is on the minus strand). VCF-style: chr8-69831854-T-C. GRCh37 (hg19) VCF-style: chr8-70744089-T-C.
Other names: c.820A>G, p.Ile274Val (NM_001146008.2, NM_001146009.1); short protein forms I274V.
Identifiers: ClinVar variation 1425576 (VCV001425576.6), dbSNP rs1427585861, ClinGen allele CA371268789.